The following is an entry in ClinVar:

NM_002227.4(JAK1):c.3122G>A (p.Arg1041Gln)

Gene: JAK1 (Janus kinase 1; minus strand). Cytogenetic location: 1p31.3.
Variant type: single nucleotide variant.
Coding change: c.3122G>A on transcript NM_002227.4 (MANE Select); coding-DNA position 3122, G replaced by A.
Protein change: p.Arg1041Gln; replaces arginine 1041 with glutamine.
Molecular consequence: missense variant.
Genome position (GRCh38, 1-based): chr1:64,837,950, C>T on the plus strand (G>A on the coding strand, the complement: JAK1 is on the minus strand). VCF-style: chr1-64837950-C-T. GRCh37 (hg19) VCF-style: chr1-65303633-C-T.
Other names: c.3122G>A, p.Arg1041Gln (NM_001320923.2, NM_001321852.2, NM_001321853.2 and 3 more transcripts); c.3119G>A, p.Arg1040Gln (NM_001321857.2); short protein forms R1040Q, R1041Q.
Identifiers: ClinVar variation 1495736 (VCV001495736.8), dbSNP rs759571109, ClinGen allele CA892526.

ClinVar aggregate classification (germline): Uncertain significance (1 of 4 stars; one submission).

Allele frequency attached by ClinVar (database versions not stated): gnomAD 0.00001; gnomAD exomes 0.00001 and 0.00002; TOPMed 0.00002; ExAC 0.00003.
gnomAD v4.1: 19 of 1,613,308 alleles (0.0012%); highest among the groups gnomAD compares: South Asian, 0.0022%; no homozygotes.

Submission:

Labcorp Genetics (formerly Invitae), Labcorp
Classification: Uncertain significance. Last evaluated: 2022-11-07. Review status: criteria provided, single submitter. Criteria: Invitae Variant Classification Sherloc (09022015). Collection method: clinical testing. Allele origin: germline.
Comment: This variant has not been reported in the literature in individuals affected with JAK1-related conditions. In summary, the available evidence is currently insufficient to determine the role of this variant in disease. Therefore, it has been classified as a Variant of Uncertain Significance. Advanced modeling of protein sequence and biophysical properties (such as structural, functional, and spatial information, amino acid conservation, physicochemical variation, residue mobility, and thermodynamic stability) performed at Invitae indicates that this missense variant is not expected to disrupt JAK1 protein function. ClinVar contains an entry for this variant (Variation ID: 1495736). This variant is present in population databases (rs759571109, gnomAD 0.003%). This sequence change replaces arginine, which is basic and polar, with glutamine, which is neutral and polar, at codon 1041 of the JAK1 protein (p.Arg1041Gln).